The following is an entry in ClinVar:

NM_015176.4(FBXO28):c.946C>T (p.Arg316Trp)

Gene: FBXO28 (F-box protein 28; plus strand). Cytogenetic location: 1q42.11.
Variant type: single nucleotide variant.
Coding change: c.946C>T on transcript NM_015176.4 (MANE Select); coding-DNA position 946, C replaced by T.
Protein change: p.Arg316Trp; replaces arginine 316 with tryptophan.
Molecular consequence: missense variant. On other transcripts: 3 prime UTR variant (1), non-coding transcript variant (1).
Genome position (GRCh38, 1-based): chr1:224,157,585, C>T. VCF-style: chr1-224157585-C-T. GRCh37 (hg19) VCF-style: chr1-224345287-C-T.
Other names: c.*210C>T (NM_001136115.3); short protein forms R316W.
Identifiers: ClinVar variation 4855729 (VCV004855729.1).
Genomic context (GRCh38, chr1:224,157,585, plus strand): 5'-CTTCAAGACCAGGACCAGAAACTGCTAGAGCAGACCCAGATCATAGGTGAACAAAATGCA[C>T]GGTTGGCAGAGCTAGAACGCAAACTACGAGAAGTAATGGAAAGTGCTGTAGGAAATTCCT-3'
Protein context (NP_055991.1, residues 306-326): QTQIIGEQNA[Arg316Trp]LAELERKLRE

ClinVar aggregate classification (germline): Uncertain significance (1 of 4 stars; one submission).

Conditions:
Developmental and epileptic encephalopathy 100 (DEE100). Identifiers: MedGen C5676932, MONDO:0030695, OMIM 619777.

Submission:

3billion
Classification: Uncertain significance for Developmental and epileptic encephalopathy 100. Last evaluated: 2025-12-17. Review status: criteria provided, single submitter. Criteria: ACMG Guidelines, 2015. Collection method: clinical testing. Allele origin: germline. Affected: yes.
Comment: The variant is not observed in the gnomAD v4.1.0 dataset. Predicted Consequence/Location: Missense variant In silico tool predictions suggest damaging effect of the variant on gene or gene product [3Cnet: 0.79 (> 0.75, sensitivity 0.96 and precision 0.92)]. Therefore, this variant is classified as VUS according to the recommendation of ACMG/AMP guideline.